The following is an entry in ClinVar:

ClinVar aggregate classification (germline): Uncertain significance (1 of 4 stars; one submission).

Allele frequency attached by ClinVar (database versions not stated): TOPMed below 0.00001; gnomAD 0.00001; gnomAD exomes 0.00001; ExAC 0.00003.
gnomAD v4.1: 20 of 1,614,024 alleles (0.0012%); highest among the groups gnomAD compares: South Asian, 0.0033%; no homozygotes.

Submission:

Labcorp Genetics (formerly Invitae), Labcorp
Classification: Uncertain significance. Last evaluated: 2023-02-26. Review status: criteria provided, single submitter. Criteria: Invitae Variant Classification Sherloc (09022015). Collection method: clinical testing. Allele origin: germline.
Comment: In summary, the available evidence is currently insufficient to determine the role of this variant in disease. Therefore, it has been classified as a Variant of Uncertain Significance. Advanced modeling of protein sequence and biophysical properties (such as structural, functional, and spatial information, amino acid conservation, physicochemical variation, residue mobility, and thermodynamic stability) performed at Invitae indicates that this missense variant is expected to disrupt SYT2 protein function. This variant has not been reported in the literature in individuals affected with SYT2-related conditions. This variant is present in population databases (rs767599163, gnomAD 0.006%). This sequence change replaces arginine, which is basic and polar, with histidine, which is basic and polar, at codon 231 of the SYT2 protein (p.Arg231His).

NM_177402.5(SYT2):c.692G>A (p.Arg231His)

Gene: SYT2 (synaptotagmin 2; minus strand). Cytogenetic location: 1q32.1.
Variant type: single nucleotide variant.
Coding change: c.692G>A on transcript NM_177402.5 (MANE Select); coding-DNA position 692, G replaced by A.
Protein change: p.Arg231His; replaces arginine 231 with histidine.
Molecular consequence: missense variant.
Genome position (GRCh38, 1-based): chr1:202,601,999, C>T on the plus strand (G>A on the coding strand, the complement: SYT2 is on the minus strand). VCF-style: chr1-202601999-C-T. GRCh37 (hg19) VCF-style: chr1-202571127-C-T.
Other names: c.692G>A, p.Arg231His (NM_001136504.1); short protein forms R231H.
Identifiers: ClinVar variation 2983127 (VCV002983127.3), dbSNP rs767599163, ClinGen allele CA1333706.